The following is an entry in ClinVar:

ClinVar aggregate classification (germline): Uncertain significance (1 of 4 stars; one submission).

gnomAD v4.1: 15 of 1,577,856 alleles (0.00095%); highest among the groups gnomAD compares: African/African-American, 0.0013%; 1 homozygote.

Submission:

Labcorp Genetics (formerly Invitae), Labcorp
Classification: Uncertain significance. Last evaluated: 2021-04-23. Review status: criteria provided, single submitter. Criteria: Invitae Variant Classification Sherloc (09022015). Collection method: clinical testing. Allele origin: germline.
Comment: In summary, the available evidence is currently insufficient to determine the role of this variant in disease. Therefore, it has been classified as a Variant of Uncertain Significance. Algorithms developed to predict the effect of sequence changes on RNA splicing suggest that this variant is not likely to affect RNA splicing, but this prediction has not been confirmed by published transcriptional studies. This variant has not been reported in the literature in individuals with PLOD2-related conditions. This variant is not present in population databases (ExAC no frequency). This sequence change affects codon 616 of the PLOD2 mRNA. It is a 'silent' change, meaning that it does not change the encoded amino acid sequence of the PLOD2 protein.

NM_182943.3(PLOD2):c.1848T>C (p.His616=)

Gene: PLOD2 (procollagen-lysine,2-oxoglutarate 5-dioxygenase 2; minus strand). Cytogenetic location: 3q24.
Variant type: single nucleotide variant.
Coding change: c.1848T>C on transcript NM_182943.3 (MANE Select); coding-DNA position 1848, T replaced by C.
Protein change: p.His616=; no amino-acid change (histidine 616 retained).
Molecular consequence: synonymous variant.
Genome position (GRCh38, 1-based): chr3:146,072,561, A>G on the plus strand (T>C on the coding strand, the complement: PLOD2 is on the minus strand). VCF-style: chr3-146072561-A-G. GRCh37 (hg19) VCF-style: chr3-145790348-A-G.
Other names: c.1785T>C, p.His595= (NM_000935.3).
Identifiers: ClinVar variation 1484974 (VCV001484974.6), dbSNP rs1002092343, ClinGen allele CA84501512.